The following is an entry in ClinVar:

NM_001267550.2(TTN):c.62756T>C (p.Leu20919Ser)

Genes: TTN (titin; minus strand), TTN-AS1 (TTN antisense RNA 1; plus strand). Cytogenetic location: 2q31.2.
Variant type: single nucleotide variant.
Coding change: c.62756T>C on transcript NM_001267550.2 (MANE Select); coding-DNA position 62756, T replaced by C.
Protein change: p.Leu20919Ser; replaces leucine 20919 with serine.
Molecular consequence: missense variant.
Genome position (GRCh38, 1-based): chr2:178,588,969, A>G on the plus strand (T>C on the coding strand, the complement: TTN is on the minus strand). VCF-style: chr2-178588969-A-G. GRCh37 (hg19) VCF-style: chr2-179453696-A-G.
Other names: p.Leu19278Ser; c.57833T>C, p.Leu19278Ser (NM_001256850.1); c.35561T>C, p.Leu11854Ser (NM_003319.4); c.55052T>C, p.Leu18351Ser (NM_133378.4); c.35936T>C, p.Leu11979Ser (NM_133432.3); c.36137T>C, p.Leu12046Ser (NM_133437.4); short protein forms L11854S, L11979S, L12046S, L18351S, L19278S, L20919S.
Identifiers: ClinVar variation 2682772 (VCV002682772.2), dbSNP rs756059826, ClinGen allele CA1992188.

ClinVar aggregate classification (germline): Uncertain significance. Review status: criteria provided, multiple submitters, no conflicts (2 of 4 stars). 2 submissions from 2 submitters: Uncertain significance (2). Last evaluated 2023-04-24.

Allele frequency attached by ClinVar (database versions not stated): TOPMed below 0.00001; ExAC 0.00001.
gnomAD v4.1: 1 of 1,612,544 alleles (0.000062%); highest among the groups gnomAD compares: Non-Finnish European, 0.000085%; no homozygotes.

Submissions (2):

Mayo Clinic Laboratories, Mayo Clinic
Classification: Uncertain significance. Last evaluated: 2023-04-24. Review status: criteria provided, single submitter. Criteria: ACMG Guidelines, 2015. Collection method: clinical testing. Allele origin: germline. Observed: 1 variant allele.

Athena Diagnostics
Classification: Uncertain significance. Last evaluated: 2022-12-02. Review status: criteria provided, single submitter. Criteria: Athena Diagnostics Criteria. Collection method: clinical testing. Allele origin: unknown.
Comment: Available data are insufficient to determine the clinical significance of the variant at this time. The frequency of this variant in the general population is uninformative in assessment of its pathogenicity. Computational tools disagree on the variant's effect on normal protein function.